The following is an entry in ClinVar:

ClinVar aggregate classification (germline): Benign. Review status: criteria provided, multiple submitters, no conflicts (2 of 4 stars). 2 submissions from 2 submitters: Benign (2). Last evaluated 2018-06-14.

Allele frequency attached by ClinVar (database versions not stated): gnomAD 0.26780 and 0.27174; TOPMed 0.27508; 1000 Genomes Project 0.28494; 1000 Genomes Project 30x 0.28841.
gnomAD v4.1: 41,270 of 152,004 alleles (27%); highest among the groups gnomAD compares: South Asian, 36%; 5,647 homozygotes.

Submissions (2):

GeneDx
Classification: Benign. Last evaluated: 2018-06-14. Review status: criteria provided, single submitter. Criteria: GeneDx Variant Classification (06012015). Collection method: clinical testing. Allele origin: germline. Affected: yes.
Comment: This variant is considered likely benign or benign based on one or more of the following criteria: it is a conservative change, it occurs at a poorly conserved position in the protein, it is predicted to be benign by multiple in silico algorithms, and/or has population frequency not consistent with disease.

Breakthrough Genomics
Classification: Benign. Review status: criteria provided, single submitter. Criteria: ACMG Guidelines, 2015. Collection method: not provided. Allele origin: germline. Inheritance: Autosomal recessive inheritance. Affected: yes.

NM_016373.4(WWOX):c.410-169T>C

Gene: WWOX (WW domain containing oxidoreductase; plus strand). Cytogenetic location: 16q23.1.
Variant type: single nucleotide variant.
Coding change: c.410-169T>C on transcript NM_016373.4 (MANE Select); 169 bases into the intron before coding-DNA position 410, T replaced by C.
Molecular consequence: intron variant.
Genome position (GRCh38, 1-based): chr16:78,164,014, T>C. VCF-style: chr16-78164014-T-C. GRCh37 (hg19) VCF-style: chr16-78197911-T-C.
Other names: c.71-169T>C (NM_001291997.2); c.410-169T>C (NM_130791.5).
Identifiers: ClinVar variation 670333 (VCV000670333.2), dbSNP rs4359451, ClinGen allele CA15872661.